The following is an entry in ClinVar:

NM_015466.4(PTPN23):c.4858T>C (p.Ser1620Pro)

Gene: PTPN23 (protein tyrosine phosphatase non-receptor type 23; plus strand). Cytogenetic location: 3p21.31.
Variant type: single nucleotide variant.
Coding change: c.4858T>C on transcript NM_015466.4 (MANE Select); coding-DNA position 4858, T replaced by C.
Protein change: p.Ser1620Pro; replaces serine 1620 with proline.
Molecular consequence: missense variant.
Genome position (GRCh38, 1-based): chr3:47,413,132, T>C. VCF-style: chr3-47413132-T-C. GRCh37 (hg19) VCF-style: chr3-47454622-T-C.
Other names: c.4858T>C (NM_015466.2); c.4480T>C, p.Ser1494Pro (NM_001304482.2); short protein forms S1620P, S1494P.
Identifiers: ClinVar variation 1917551 (VCV001917551.3), dbSNP rs778980318, ClinGen allele CA352569329.

ClinVar aggregate classification (germline): Uncertain significance. Review status: criteria provided, multiple submitters, no conflicts (2 of 4 stars). 2 submissions from 2 submitters: Uncertain significance (2). Last evaluated 2025-08-01.

Conditions:
Inborn genetic diseases. Identifiers: MedGen C0950123, MeSH D030342.

Allele frequency attached by ClinVar (database versions not stated): TOPMed 0.00002.

Submissions (2):

Ambry Genetics
Classification: Uncertain significance for Inborn genetic diseases. Last evaluated: 2025-08-01. Review status: criteria provided, single submitter. Criteria: Ambry Variant Classification Scheme 2023. Collection method: clinical testing. Allele origin: germline.

Labcorp Genetics (formerly Invitae), Labcorp
Classification: Uncertain significance. Last evaluated: 2022-10-17. Review status: criteria provided, single submitter. Criteria: Invitae Variant Classification Sherloc (09022015). Collection method: clinical testing. Allele origin: germline.
Comment: This sequence change replaces serine, which is neutral and polar, with proline, which is neutral and non-polar, at codon 1620 of the PTPN23 protein (p.Ser1620Pro). This variant is present in population databases (no rsID available, gnomAD 0.002%). This variant has not been reported in the literature in individuals affected with PTPN23-related conditions. Algorithms developed to predict the effect of missense changes on protein structure and function output the following: SIFT: "Tolerated"; PolyPhen-2: "Not Available"; Align-GVGD: "Class C0". The proline amino acid residue is found in multiple mammalian species, which suggests that this missense change does not adversely affect protein function. In summary, the available evidence is currently insufficient to determine the role of this variant in disease. Therefore, it has been classified as a Variant of Uncertain Significance.